The following is an entry in ClinVar:

ClinVar aggregate classification (germline): Uncertain significance (1 of 4 stars; one submission).

Conditions:
Hypertrophic cardiomyopathy. Also called: HYPERTROPHIC MYOCARDIOPATHY. Identifiers: Orphanet 217569, MedGen C0007194, MeSH D002312, MONDO:0005045, HP:0001639.

Submission:

Labcorp Genetics (formerly Invitae), Labcorp
Classification: Uncertain significance for Hypertrophic cardiomyopathy. Last evaluated: 2024-02-25. Review status: criteria provided, single submitter. Criteria: Invitae Variant Classification Sherloc (09022015). Collection method: clinical testing. Allele origin: germline.
Comment: This sequence change replaces aspartic acid, which is acidic and polar, with valine, which is neutral and non-polar, at codon 333 of the MYH7 protein (p.Asp333Val). This variant is not present in population databases (gnomAD no frequency). This variant has not been reported in the literature in individuals affected with MYH7-related conditions. ClinVar contains an entry for this variant (Variation ID: 1509014). An algorithm developed to predict the effect of missense changes on protein structure and function (PolyPhen-2) suggests that this variant is likely to be disruptive. This variant is found within a region of MYH7 between codons 181 and 937 that contains the majority of the myosin head domain. Missense variants in this region have been shown to be significantly overrepresented in individuals with hypertrophic cardiomyopathy (PMID: 27532257). In summary, the available evidence is currently insufficient to determine the role of this variant in disease. Therefore, it has been classified as a Variant of Uncertain Significance.

Literature cited by the submitters: PubMed 27532257.

NM_000257.4(MYH7):c.998A>T (p.Asp333Val)

Gene: MYH7 (myosin heavy chain 7; minus strand). Cytogenetic location: 14q11.2.
Variant type: single nucleotide variant.
Coding change: c.998A>T on transcript NM_000257.4 (MANE Select); coding-DNA position 998, A replaced by T.
Protein change: p.Asp333Val; replaces aspartic acid 333 with valine.
Molecular consequence: missense variant.
Genome position (GRCh38, 1-based): chr14:23,430,561, T>A on the plus strand (A>T on the coding strand, the complement: MYH7 is on the minus strand). VCF-style: chr14-23430561-T-A. GRCh37 (hg19) VCF-style: chr14-23899770-T-A.
Other names: short protein forms D333V.
Identifiers: ClinVar variation 1509014 (VCV001509014.8), dbSNP rs2138679077, ClinGen allele CA389051586.
Genomic context (GRCh38, chr14:23,430,561, plus strand): 5'-CCCTGTTTGCCCCTCACTGCCAATCCTCCCACCCCCTGGCTGGGTCCTCACACACTCACA[T>A]CAGTGGCCATGAGCTCCTCAGCGTCATCAATGGAGGCCACGGTGGTCTCTCCTTGGGAGA-3'
Protein context (NP_000248.2, residues 323-343): IDDAEELMAT[Asp333Val]NAFDVLGFTS